The following is an entry in ClinVar:

ClinVar aggregate classification (germline): Likely benign. Review status: criteria provided, single submitter (1 of 4 stars). 2 submissions from 2 submitters: Likely benign (1). 1 of the submissions does not count toward it. Last evaluated 2023-04-26.

Conditions:
ARCN1-related disorder. Also called: ARCN1-related condition.

Allele frequency attached by ClinVar (database versions not stated): gnomAD 0.00001; gnomAD exomes 0.00001; ExAC 0.00002; TOPMed 0.00002.

Submissions (2):

Labcorp Genetics (formerly Invitae), Labcorp
Classification: Likely benign. Last evaluated: 2023-04-26. Review status: criteria provided, single submitter. Criteria: Invitae Variant Classification Sherloc (09022015). Collection method: clinical testing. Allele origin: germline.

PreventionGenetics, part of Exact Sciences
Classification: Likely benign for ARCN1-related condition. Last evaluated: 2020-08-11. Review status: no assertion criteria provided. Collection method: clinical testing. Allele origin: germline. Not counted in ClinVar's aggregate classification.
Comment: This variant is classified as likely benign based on ACMG/AMP sequence variant interpretation guidelines (Richards et al. 2015 PMID: 25741868, with internal and published modifications).

NM_001655.5(ARCN1):c.1194A>G (p.Gln398=)

Gene: ARCN1 (archain 1 coat protein complex I subunit delta; plus strand). Cytogenetic location: 11q23.3.
Variant type: single nucleotide variant.
Coding change: c.1194A>G on transcript NM_001655.5 (MANE Select); coding-DNA position 1194, A replaced by G.
Protein change: p.Gln398=; no amino-acid change (glutamine 398 retained).
Molecular consequence: synonymous variant.
Genome position (GRCh38, 1-based): chr11:118,593,651, A>G. VCF-style: chr11-118593651-A-G. GRCh37 (hg19) VCF-style: chr11-118464366-A-G.
Other names: c.1194A>G (NM_001655.4); c.930A>G, p.Gln310= (NM_001142281.2, NM_001425081.1); c.1194A>G, p.Gln398= (NM_001425073.1, NM_001425078.1); c.1191A>G, p.Gln397= (NM_001425074.1, NM_001425079.1); c.1137A>G, p.Gln379= (NM_001425075.1); c.1125A>G, p.Gln375= (NM_001425076.1); c.1029A>G, p.Gln343= (NM_001425077.1); c.750A>G, p.Gln250= (NM_001425080.1).
Identifiers: ClinVar variation 2895939 (VCV002895939.5), dbSNP rs558773925, ClinGen allele CA6306239.